The following is an entry in ClinVar:

NM_000081.4(LYST):c.9590A>G (p.Tyr3197Cys)

Gene: LYST (lysosomal trafficking regulator; minus strand). Cytogenetic location: 1q42.3.
Variant type: single nucleotide variant.
Coding change: c.9590A>G on transcript NM_000081.4 (MANE Select); coding-DNA position 9590, A replaced by G.
Protein change: p.Tyr3197Cys; replaces tyrosine 3197 with cysteine.
Molecular consequence: missense variant.
Genome position (GRCh38, 1-based): chr1:235,716,749, T>C on the plus strand (A>G on the coding strand, the complement: LYST is on the minus strand). VCF-style: chr1-235716749-T-C. GRCh37 (hg19) VCF-style: chr1-235880049-T-C.
Other names: c.9590A>G, p.Tyr3197Cys (NM_001301365.1); short protein forms Y3197C.
Identifiers: ClinVar variation 1503710 (VCV001503710.7), dbSNP rs1662872692, ClinGen allele CA344941133.
Genomic context (GRCh38, chr1:235,716,749, plus strand): 5'-GTACGAGTAAAAACAAAAGCTACCTTGTATGTGTCCACATAACGATCTTCTTTTTCTTTA[T>C]ACTGAACAGCTATAGGTTTAGAGAGATTTCTGCAAGAAAAGGACAATTTTAAAAATTAAA-3'
Protein context (NP_000072.2, residues 3187-3207): RNLSKPIAVQ[Tyr3197Cys]KEKEDRYVDT

ClinVar aggregate classification (germline): Uncertain significance (1 of 4 stars; one submission).

Conditions:
Chédiak-Higashi syndrome (CHS). Also called: Chediak-Higashi Syndrome. Identifiers: Orphanet 167, MedGen C0007965, MONDO:0008963, OMIM 214500.

Allele frequency attached by ClinVar (database versions not stated): gnomAD 0.00001.
gnomAD v4.1: 1 of 1,596,478 alleles (0.000063%); highest among the groups gnomAD compares: African/African-American, 0.0013%; no homozygotes.

Submission:

Labcorp Genetics (formerly Invitae), Labcorp
Classification: Uncertain significance for Chédiak-Higashi syndrome. Last evaluated: 2023-08-17. Review status: criteria provided, single submitter. Criteria: Invitae Variant Classification Sherloc (09022015). Collection method: clinical testing. Allele origin: germline.
Comment: In summary, the available evidence is currently insufficient to determine the role of this variant in disease. Therefore, it has been classified as a Variant of Uncertain Significance. Advanced modeling of protein sequence and biophysical properties (such as structural, functional, and spatial information, amino acid conservation, physicochemical variation, residue mobility, and thermodynamic stability) performed at Invitae indicates that this missense variant is not expected to disrupt LYST protein function. ClinVar contains an entry for this variant (Variation ID: 1503710). This variant has not been reported in the literature in individuals affected with LYST-related conditions. This variant is not present in population databases (gnomAD no frequency). This sequence change replaces tyrosine, which is neutral and polar, with cysteine, which is neutral and slightly polar, at codon 3197 of the LYST protein (p.Tyr3197Cys).